The following is an entry in ClinVar:

NM_000169.3(GLA):c.35G>T (p.Cys12Phe)

Genes: GLA (galactosidase alpha; minus strand), RPL36A-HNRNPH2 (RPL36A-HNRNPH2 readthrough; plus strand). Cytogenetic location: Xq22.1.
Variant type: single nucleotide variant.
Coding change: c.35G>T on transcript NM_000169.3 (MANE Select); coding-DNA position 35, G replaced by T.
Protein change: p.Cys12Phe; replaces cysteine 12 with phenylalanine.
Molecular consequence: missense variant. On other transcripts: intron variant (2), non-coding transcript variant (3).
Genome position (GRCh38, 1-based): chrX:101,407,869, C>A on the plus strand (G>T on the coding strand, the complement: GLA is on the minus strand). VCF-style: chrX-101407869-C-A. GRCh37 (hg19) VCF-style: chrX-100662857-C-A.
Other names: c.301-4067C>A (NM_001199973.2); c.178-4067C>A (NM_001199974.2); c.35G>T, p.Cys12Phe (NM_001406747.1, NM_001406748.1, NM_001406749.1); short protein forms C12F.
Identifiers: ClinVar variation 2571716 (VCV002571716.4), dbSNP rs2520947238, ClinGen allele CA413937798.

ClinVar aggregate classification (germline): Uncertain significance. Review status: criteria provided, multiple submitters, no conflicts (2 of 4 stars). 4 submissions from 4 submitters: Uncertain significance (4). Last evaluated 2024-06-11.

Conditions:
Cardiovascular phenotype. Identifiers: MedGen CN230736.
Fabry disease. Also called: Fabry's disease; ALPHA-GALACTOSIDASE A DEFICIENCY; ANDERSON-FABRY DISEASE; CERAMIDE TRIHEXOSIDASE DEFICIENCY; GLA DEFICIENCY; HEREDITARY DYSTOPIC LIPIDOSIS. Identifiers: Orphanet 324, MedGen C0002986, MONDO:0010526, OMIM 301500, HP:0001071. Disease mechanism: Fabry disease is due to inactivating mutations in the X-linked GLA gene resulting in deficiency of the enzyme Alpha Galactosidase-A., loss of function.

Allele frequency attached by ClinVar (database versions not stated): gnomAD exomes 0.00003.
gnomAD v4.1: 20 of 1,211,863 alleles (0.0017%); highest among the groups gnomAD compares: Non-Finnish European, 0.002%; no homozygotes.

Submissions (4):

All of Us Research Program, National Institutes of Health
Classification: Uncertain significance for Fabry disease. Last evaluated: 2024-06-11. Review status: criteria provided, single submitter. Criteria: ACMG Guidelines, 2015. Collection method: clinical testing. Allele origin: germline. Inheritance: X-linked inheritance. Observed: 1 variant allele, 1 homozygote.
Comment: This study involves interpretation of variants in research participants for the purpose of population health screening. Participant phenotype was not available at the time of variant classification. Additional details can be found in publication PMID: 35346344, PMCID: PMC8962531

Color Diagnostics, LLC DBA Color Health
Classification: Uncertain significance for Fabry disease. Last evaluated: 2024-03-24. Review status: criteria provided, single submitter. Criteria: ACMG Guidelines, 2015. Collection method: clinical testing. Allele origin: germline.
Comment: This missense variant replaces cysteine with phenylalanine at codon 12 of the GLA protein. Computational prediction suggests that this variant may not impact protein structure and function (internally defined REVEL score threshold <= 0.5, PMID: 27666373). To our knowledge, functional studies have not been reported for this variant. This variant has not been reported in individuals affected with GLA-related disorders in the literature. This variant has not been identified in the general population by the Genome Aggregation Database (gnomAD). The available evidence is insufficient to determine the role of this variant in disease conclusively. Therefore, this variant is classified as a Variant of Uncertain Significance.

Ambry Genetics
Classification: Uncertain significance for Cardiovascular phenotype. Last evaluated: 2023-10-26. Review status: criteria provided, single submitter. Criteria: Ambry Variant Classification Scheme 2023. Collection method: clinical testing. Allele origin: germline.
Comment: The p.C12F variant (also known as c.35G>T), located in coding exon 1 of the GLA gene, results from a G to T substitution at nucleotide position 35. The cysteine at codon 12 is replaced by phenylalanine, an amino acid with highly dissimilar properties. This amino acid position is not well conserved in available vertebrate species. In addition, this alteration is predicted to be tolerated by in silico analysis. Since supporting evidence is limited at this time, the clinical significance of this alteration remains unclear.

GeneDx
Classification: Uncertain significance. Last evaluated: 2022-12-23. Review status: criteria provided, single submitter. Criteria: GeneDx Variant Classification Process June 2021. Collection method: clinical testing. Allele origin: germline. Affected: yes.
Comment: Not observed at significant frequency in large population cohorts (gnomAD); In silico analysis supports that this missense variant does not alter protein structure/function; Has not been previously published as pathogenic or benign to our knowledge